The following is an entry in ClinVar:

ClinVar aggregate classification (germline): Pathogenic (1 of 4 stars; one submission).

Conditions:
Fabry disease. Also called: Fabry's disease; ALPHA-GALACTOSIDASE A DEFICIENCY; ANDERSON-FABRY DISEASE; CERAMIDE TRIHEXOSIDASE DEFICIENCY; GLA DEFICIENCY; HEREDITARY DYSTOPIC LIPIDOSIS. Identifiers: Orphanet 324, MedGen C0002986, MONDO:0010526, OMIM 301500, HP:0001071. Disease mechanism: Fabry disease is due to inactivating mutations in the X-linked GLA gene resulting in deficiency of the enzyme Alpha Galactosidase-A., loss of function.

Submission:

Genomenon, Inc
Classification: Pathogenic for Fabry disease. Last evaluated: 2026-09-08. Review status: criteria provided, single submitter. Criteria: Genomenon Sequence Variant Interpretation Standards - Updated. Collection method: curation. Allele origin: germline. Affected: yes.
Comment: GLA p.Thr366ArgfsTer7 (c.1096_1100del) is a frameshift variant that is predicted to introduce a premature termination codon and result in a truncated or absent protein product. This variant has been observed in at least one proband with clinical features consistent with Fabry disease (PMID:16595074). Functional or patient cell studies have been reported (PMID:16595074). It is absent or not present at a significant frequency in gnomAD. In conclusion, we classify GLA p.Thr366ArgfsTer7 (c.1096_1100del) as a pathogenic variant.

Literature cited by the submitters: PubMed 16595074.

NM_000169.3(GLA):c.1096_1100del (p.Thr366fs)

Genes: GLA (galactosidase alpha; minus strand), RPL36A-HNRNPH2 (RPL36A-HNRNPH2 readthrough; plus strand). Cytogenetic location: Xq22.1.
Variant type: Deletion.
Coding change: c.1096_1100del on transcript NM_000169.3 (MANE Select); coding-DNA positions 1096 to 1100, 5 bases deleted (ACCAT; older notation c.1096_1100delACCAT).
Protein change: p.Thr366fs; shifts the reading frame from threonine 366.
Molecular consequence: frameshift variant. On other transcripts: non-coding transcript variant (3), intron variant (2).
Genome position (GRCh38, 1-based): chrX:101,397,999-101,398,003, ATGGT deleted on the plus strand (ACCAT on the coding strand, the reverse complement: GLA is on the minus strand); deleting any 5 consecutive bases within chrX:101,397,999-101,398,005 gives the same sequence; the c. name uses the placement nearest the transcript's 3' end. VCF-style (leftmost placement, unchanged base first): chrX-101397998-GATGGT-G. GRCh37 (hg19) VCF-style: chrX-100652986-GATGGT-G.
Other names: c.1219_1223del, p.Thr407fs (NM_001406747.1); c.300+2544_300+2548del (NM_001199973.2); c.177+6179_177+6183del (NM_001199974.2); short protein forms T366fs, T407fs.
Identifiers: ClinVar variation 4974839 (VCV004974839.1).